The following is an entry in ClinVar:

ClinVar aggregate classification (germline): Benign. Review status: criteria provided, multiple submitters, no conflicts (2 of 4 stars). 3 submissions from 3 submitters: Benign (3). Last evaluated 2018-11-01.

Allele frequency attached by ClinVar (database versions not stated): TOPMed 0.80292; 1000 Genomes Project 30x 0.80590; gnomAD 0.80860 and 0.81708; ESP Exome Variant Server 0.80929; 1000 Genomes Project 0.81669; ExAC 0.88362; gnomAD exomes 0.91124 and 0.92210.
gnomAD v4.1: 1,392,736 of 1,528,912 alleles (91%); highest among the groups gnomAD compares: East Asian, 98%; 640,892 homozygotes.

Submissions (3):

GeneDx
Classification: Benign. Last evaluated: 2018-11-01. Review status: criteria provided, single submitter. Criteria: GeneDx Variant Classification Process June 2021. Collection method: clinical testing. Allele origin: germline. Affected: yes.

Laboratory for Molecular Medicine, Mass General Brigham Personalized Medicine
Classification: Benign. Last evaluated: 2016-03-28. Review status: criteria provided, single submitter. Criteria: LMM Criteria. Collection method: clinical testing. Allele origin: germline.
Comment: Variant identified in a genome or exome case(s) and assessed due to predicted null impact of the variant or pathogenic assertions in the literature or databases. Disclaimer: This variant has not undergone full assessment. The following are preliminary notes: Frequency

Breakthrough Genomics
Classification: Benign. Review status: criteria provided, single submitter. Criteria: ACMG Guidelines, 2015. Collection method: not provided. Allele origin: germline. Inheritance: Unknown mechanism. Affected: yes.

NM_001370.2(DNAH6):c.873C>T (p.Ser291=)

Gene: DNAH6 (dynein axonemal heavy chain 6; plus strand). Cytogenetic location: 2p11.2.
Variant type: single nucleotide variant.
Coding change: c.873C>T on transcript NM_001370.2 (MANE Select); coding-DNA position 873, C replaced by T.
Protein change: p.Ser291=; no amino-acid change (serine 291 retained).
Molecular consequence: synonymous variant.
Genome position (GRCh38, 1-based): chr2:84,544,443, C>T. VCF-style: chr2-84544443-C-T. GRCh37 (hg19) VCF-style: chr2-84771567-C-T.
Identifiers: ClinVar variation 402733 (VCV000402733.7), dbSNP rs1542477, ClinGen allele CA1736559.